The following is an entry in ClinVar:

ClinVar aggregate classification (germline): Benign/Likely benign. Review status: criteria provided, multiple submitters, no conflicts (2 of 4 stars). 2 submissions from 2 submitters: Benign (1); Likely benign (1). Last evaluated 2026-01-28.

Conditions:
Tyrosinemia type III. Also called: Tyrosinemia type 3; 4-alpha hydroxyphenylpyruvic acid oxidase deficiency; 4-alpha hydroxyphenylpyruvate dioxygenase deficiency; 4-Hydroxyphenylpyruvate dioxygenase deficiency; 4-HYDROXYPHENYLPYRUVIC ACID OXIDASE DEFICIENCY. Identifiers: Orphanet 69723, MedGen C0268623, MONDO:0010162, OMIM 276710.
Hawkinsinuria. Identifiers: Orphanet 2118, MedGen C2931042, MONDO:0007700, OMIM 140350, HP:0034457.

Allele frequency attached by ClinVar (database versions not stated): gnomAD 0.00007 and 0.00017; TOPMed 0.00008; gnomAD exomes 0.00080; ExAC 0.00093; 1000 Genomes Project 30x 0.00125; 1000 Genomes Project 0.00160.
gnomAD v4.1: 542 of 1,606,354 alleles (0.034%); highest among the groups gnomAD compares: South Asian, 0.49%; 4 homozygotes.

Submissions (2):

Labcorp Genetics (formerly Invitae), Labcorp
Classification: Benign for Tyrosinemia type III; Hawkinsinuria. Last evaluated: 2026-01-28. Review status: criteria provided, single submitter. Criteria: Invitae Variant Classification Sherloc (09022015). Collection method: clinical testing. Allele origin: germline.

CeGaT Center for Human Genetics Tuebingen
Classification: Likely benign. Last evaluated: 2022-03-01. Review status: criteria provided, single submitter. Criteria: CeGaT Center For Human Genetics Tuebingen Variant Classification Criteria Version 2. Collection method: clinical testing. Allele origin: germline. Affected: yes. Observed: 1 variant allele.
Comment: HPD: BP4

NM_002150.3(HPD):c.415-4G>A

Genes: HPD (4-hydroxyphenylpyruvate dioxygenase; minus strand), TIALD (transcript inducer of AURKA lysosomal degradation; plus strand). Cytogenetic location: 12q24.31.
Variant type: single nucleotide variant.
Coding change: c.415-4G>A on transcript NM_002150.3 (MANE Select); 4 bases into the intron before coding-DNA position 415, G replaced by A.
Molecular consequence: intron variant.
Genome position (GRCh38, 1-based): chr12:121,849,794, C>T on the plus strand (G>A on the coding strand, the complement: HPD is on the minus strand). VCF-style: chr12-121849794-C-T. GRCh37 (hg19) VCF-style: chr12-122287700-C-T.
Other names: c.298-4G>A (NM_001171993.2).
Identifiers: ClinVar variation 1670207 (VCV001670207.32), dbSNP rs534922913, ClinGen allele CA6839652.